The following is an entry in ClinVar:

NM_152594.3(SPRED1):c.1175C>G (p.Ser392Trp)

Gene: SPRED1 (sprouty related EVH1 domain containing 1; plus strand). Cytogenetic location: 15q14.
Variant type: single nucleotide variant.
Coding change: c.1175C>G on transcript NM_152594.3 (MANE Select); coding-DNA position 1175, C replaced by G.
Protein change: p.Ser392Trp; replaces serine 392 with tryptophan.
Molecular consequence: missense variant.
Genome position (GRCh38, 1-based): chr15:38,351,504, C>G. VCF-style: chr15-38351504-C-G. GRCh37 (hg19) VCF-style: chr15-38643705-C-G.
Other names: short protein forms S392W.
Identifiers: ClinVar variation 4615048 (VCV004615048.1).

ClinVar aggregate classification (germline): Uncertain significance (1 of 4 stars; one submission).

Conditions:
Cardiovascular phenotype. Identifiers: MedGen CN230736.

gnomAD v4.1: 1 of 1,614,060 alleles (0.000062%); highest among the groups gnomAD compares: Non-Finnish European, 0.000085%; no homozygotes.

Submission:

Ambry Genetics
Classification: Uncertain significance for Cardiovascular phenotype. Last evaluated: 2025-12-10. Review status: criteria provided, single submitter. Criteria: Ambry Variant Classification Scheme 2023. Collection method: clinical testing. Allele origin: germline.
Comment: The p.S392W variant (also known as c.1175C>G), located in coding exon 7 of the SPRED1 gene, results from a C to G substitution at nucleotide position 1175. The serine at codon 392 is replaced by tryptophan, an amino acid with highly dissimilar properties. This amino acid position is conserved. In addition, this alteration is predicted to be deleterious by in silico analysis. Based on the available evidence, the clinical significance of this variant remains unclear.